The following is an entry in ClinVar:

NM_014141.6(CNTNAP2):c.402+1G>C

Gene: CNTNAP2 (contactin associated protein 2; plus strand). Cytogenetic location: 7q35.
Variant type: single nucleotide variant.
Coding change: c.402+1G>C on transcript NM_014141.6 (MANE Select); the canonical splice donor site of the intron after coding-DNA position 402, G replaced by C.
Molecular consequence: splice donor variant.
Genome position (GRCh38, 1-based): chr7:146,839,905, G>C. VCF-style: chr7-146839905-G-C. GRCh37 (hg19) VCF-style: chr7-146536997-G-C.
Identifiers: ClinVar variation 1473750 (VCV001473750.6), dbSNP rs767408882, ClinGen allele CA369922894.

ClinVar aggregate classification (germline): Likely pathogenic (1 of 4 stars; one submission).

Conditions:
Cortical dysplasia-focal epilepsy syndrome (PTHSL1). Also called: Pitt-Hopkins-like syndrome 1. Identifiers: Orphanet 163681, Orphanet 221150, MedGen C2750246, MONDO:0012400, OMIM 610042.

Allele frequency attached by ClinVar (database versions not stated): TOPMed 0.00001.

Submission:

Labcorp Genetics (formerly Invitae), Labcorp
Classification: Likely pathogenic for Cortical dysplasia-focal epilepsy syndrome. Last evaluated: 2021-07-24. Review status: criteria provided, single submitter. Criteria: Invitae Variant Classification Sherloc (09022015). Collection method: clinical testing. Allele origin: germline.
Comment: This variant is not present in population databases (ExAC no frequency). In summary, the currently available evidence indicates that the variant is pathogenic, but additional data are needed to prove that conclusively. Therefore, this variant has been classified as Likely Pathogenic. Algorithms developed to predict the effect of sequence changes on RNA splicing suggest that this variant may disrupt the consensus splice site. This variant has not been reported in the literature in individuals affected with CNTNAP2-related conditions. This sequence change affects a donor splice site in intron 3 of the CNTNAP2 gene. It is expected to disrupt RNA splicing. Variants that disrupt the donor or acceptor splice site typically lead to a loss of protein function (PMID: 16199547), and loss-of-function variants in CNTNAP2 are known to be pathogenic (PMID: 19896112, 21827697, 25045150, 26843181, 27439707).

Literature cited by the submitters: PubMed 16199547; PubMed 19896112; PubMed 21827697; PubMed 25045150; PubMed 26843181; PubMed 27439707.